The following is an entry in ClinVar:

ClinVar aggregate classification (germline): Uncertain significance (1 of 4 stars; one submission).

Conditions:
Joubert syndrome. Also called: CEREBELLOPARENCHYMAL DISORDER IV; JOUBERT-BOLTSHAUSER SYNDROME; Familial aplasia of the vermis. Identifiers: Orphanet 475, MedGen C5979921, MONDO:0018772.
Nephronophthisis. Also called: Juvenile Nephronophthisis. Identifiers: Orphanet 655, MedGen C0687120, MONDO:0019005, HP:0000090.
Meckel-Gruber syndrome. Also called: DYSENCEPHALIA SPLANCHNOCYSTICA; GRUBER SYNDROME; Dysencephalia splachnocystica. Identifiers: Orphanet 564, MedGen C0265215, MONDO:0018921.

Submission:

Labcorp Genetics (formerly Invitae), Labcorp
Classification: Uncertain significance for Joubert syndrome; Meckel-Gruber syndrome; Nephronophthisis. Last evaluated: 2025-02-17. Review status: criteria provided, single submitter. Criteria: Invitae Variant Classification Sherloc (09022015). Collection method: clinical testing. Allele origin: germline.
Comment: This sequence change replaces arginine, which is basic and polar, with leucine, which is neutral and non-polar, at codon 816 of the CEP290 protein (p.Arg816Leu). This variant is not present in population databases (gnomAD no frequency). This variant has not been reported in the literature in individuals affected with CEP290-related conditions. ClinVar contains an entry for this variant (Variation ID: 1390705). Invitae Evidence Modeling of protein sequence and biophysical properties (such as structural, functional, and spatial information, amino acid conservation, physicochemical variation, residue mobility, and thermodynamic stability) indicates that this missense variant is expected to disrupt CEP290 protein function with a positive predictive value of 80%. In summary, the available evidence is currently insufficient to determine the role of this variant in disease. Therefore, it has been classified as a Variant of Uncertain Significance.

NM_025114.4(CEP290):c.2447G>T (p.Arg816Leu)

Gene: CEP290 (centrosomal protein 290; minus strand). Cytogenetic location: 12q21.32.
Variant type: single nucleotide variant.
Coding change: c.2447G>T on transcript NM_025114.4 (MANE Select); coding-DNA position 2447, G replaced by T.
Protein change: p.Arg816Leu; replaces arginine 816 with leucine.
Molecular consequence: missense variant.
Genome position (GRCh38, 1-based): chr12:88,109,102, C>A on the plus strand (G>T on the coding strand, the complement: CEP290 is on the minus strand). VCF-style: chr12-88109102-C-A. GRCh37 (hg19) VCF-style: chr12-88502879-C-A.
Other names: short protein forms R816L.
Identifiers: ClinVar variation 1390705 (VCV001390705.8), dbSNP rs768448895, ClinGen allele CA385972700.
Genomic context (GRCh38, chr12:88,109,102, plus strand): 5'-TTATAGTTTTGCTAATACCTATACCTTAGGTATTCTTTATACAACAAACTTTGTTGATGA[C>A]GAATTACAGCAAATTTTCTGTTGTAATCTTCAAGAGAATCTTCTAAATTCTTTAACTTTT-3'
Protein context (NP_079390.3, residues 806-826): EDYNRKFAVI[Arg816Leu]HQQSLLYKEY